The following is an entry in ClinVar:

NM_133459.4(CCBE1):c.458C>T (p.Thr153Ile)

Gene: CCBE1 (collagen and calcium binding EGF domains 1; minus strand). Cytogenetic location: 18q21.32.
Variant type: single nucleotide variant.
Coding change: c.458C>T on transcript NM_133459.4 (MANE Select); coding-DNA position 458, C replaced by T.
Protein change: p.Thr153Ile; replaces threonine 153 with isoleucine.
Molecular consequence: missense variant.
Genome position (GRCh38, 1-based): chr18:59,466,834, G>A on the plus strand (C>T on the coding strand, the complement: CCBE1 is on the minus strand). VCF-style: chr18-59466834-G-A. GRCh37 (hg19) VCF-style: chr18-57134066-G-A.
Other names: short protein forms T153I.
Identifiers: ClinVar variation 1513512 (VCV001513512.6), dbSNP rs200149541, ClinGen allele CA402591881.

ClinVar aggregate classification (germline): Uncertain significance (1 of 4 stars; one submission).

Submission:

Labcorp Genetics (formerly Invitae), Labcorp
Classification: Uncertain significance. Last evaluated: 2024-03-04. Review status: criteria provided, single submitter. Criteria: Invitae Variant Classification Sherloc (09022015). Collection method: clinical testing. Allele origin: germline.
Comment: This sequence change replaces threonine, which is neutral and polar, with isoleucine, which is neutral and non-polar, at codon 153 of the CCBE1 protein (p.Thr153Ile). This variant is present in population databases (no rsID available, gnomAD 0.01%). This variant has not been reported in the literature in individuals affected with CCBE1-related conditions. ClinVar contains an entry for this variant (Variation ID: 1513512). Advanced modeling of protein sequence and biophysical properties (such as structural, functional, and spatial information, amino acid conservation, physicochemical variation, residue mobility, and thermodynamic stability) has been performed at Invitae for this missense variant, however the output from this modeling did not meet the statistical confidence thresholds required to predict the impact of this variant on CCBE1 protein function. In summary, the available evidence is currently insufficient to determine the role of this variant in disease. Therefore, it has been classified as a Variant of Uncertain Significance.